The following is an entry in ClinVar:

ClinVar aggregate classification (germline): Uncertain significance (1 of 4 stars; one submission).

Submission:

GeneDx
Classification: Uncertain significance. Last evaluated: 2024-08-02. Review status: criteria provided, single submitter. Criteria: GeneDx Variant Classification Process June 2021. Collection method: clinical testing. Allele origin: germline. Affected: yes.
Comment: Not observed at significant frequency in large population cohorts (gnomAD); In silico analysis indicates that this missense variant does not alter protein structure/function; Has not been previously published as pathogenic or benign to our knowledge

NM_001127222.2(CACNA1A):c.3295A>C (p.Asn1099His)

Gene: CACNA1A (calcium voltage-gated channel subunit alpha1 A; minus strand). Cytogenetic location: 19p13.13.
Variant type: single nucleotide variant.
Coding change: c.3295A>C on transcript NM_001127222.2 (MANE Select); coding-DNA position 3295, A replaced by C.
Protein change: p.Asn1099His; replaces asparagine 1099 with histidine.
Molecular consequence: missense variant.
Genome position (GRCh38, 1-based): chr19:13,286,761, T>G on the plus strand (A>C on the coding strand, the complement: CACNA1A is on the minus strand). VCF-style: chr19-13286761-T-G. GRCh37 (hg19) VCF-style: chr19-13397575-T-G.
Other names: c.3307A>C, p.Asn1103His (NM_000068.4, NM_023035.3); c.3298A>C, p.Asn1100His (NM_001127221.2, NM_001174080.2); short protein forms N1099H, N1100H, N1103H.
Identifiers: ClinVar variation 3602169 (VCV003602169.1).
Genomic context (GRCh38, chr19:13,286,761, plus strand): 5'-CGTTCTGGGGGTTGGTGGCCATGGCAGGGATGGCCAGCATGGGGCCGGGGTCGGTGCTGT[T>G]TCCCATCTTGGCTGGGCTCTGGGGCAGGCCGGCGTGGCCAAGGCTGCCGTGGGGAGCGGC-3'
Protein context (NP_001120694.1, residues 1089-1109): GLPQSPAKMG[Asn1099His]STDPGPMLAI